The following is an entry in ClinVar:

NM_182961.4(SYNE1):c.23651T>C (p.Leu7884Pro)

Gene: SYNE1 (spectrin repeat containing nuclear envelope protein 1; minus strand). Cytogenetic location: 6q25.2.
Variant type: single nucleotide variant.
Coding change: c.23651T>C on transcript NM_182961.4 (MANE Select); coding-DNA position 23651, T replaced by C.
Protein change: p.Leu7884Pro; replaces leucine 7884 with proline.
Molecular consequence: missense variant.
Genome position (GRCh38, 1-based): chr6:152,164,302, A>G on the plus strand (T>C on the coding strand, the complement: SYNE1 is on the minus strand). VCF-style: chr6-152164302-A-G. GRCh37 (hg19) VCF-style: chr6-152485437-A-G.
Other names: c.23438T>C, p.Leu7813Pro (NM_033071.5); c.257T>C, p.Leu86Pro (NM_001347701.2); c.116T>C, p.Leu39Pro (NM_001347702.2); short protein forms L39P, L7813P, L7884P, L86P.
Identifiers: ClinVar variation 2657003 (VCV002657003.24), dbSNP rs769743868, ClinGen allele CA366089076.
Genomic context (GRCh38, chr6:152,164,302, plus strand): 5'-ATGTGAGCGAGCCAGGTCCTCAGGCTGCTCATGTTCTTATCAAGCTGCTGCACGGCTACC[A>G]GGGTCTCCTTCAGCTTCTTCACCCTGTGGGCAGAGAAGGGGGAATGTCCCACTTCAGCGA-3'
Protein context (NP_892006.3, residues 7874-7894): AARVKKLKET[Leu7884Pro]VAVQQLDKNM

ClinVar aggregate classification (germline): Uncertain significance (1 of 4 stars; one submission).

Submission:

CeGaT Center for Human Genetics Tuebingen
Classification: Uncertain significance. Last evaluated: 2022-04-01. Review status: criteria provided, single submitter. Criteria: CeGaT Center For Human Genetics Tuebingen Variant Classification Criteria Version 2. Collection method: clinical testing. Allele origin: germline. Affected: yes. Observed: 1 variant allele.
Comment: SYNE1: PM2